The following is an entry in ClinVar:

ClinVar aggregate classification (germline): Uncertain significance (1 of 4 stars; one submission).

Conditions:
Congenital myasthenic syndrome 12 (CMS12). Also called: MYASTHENIC SYNDROME, CONGENITAL, WITH TUBULAR AGGREGATES 1; Myasthenia, congenital, 12, with tubular aggregates. Identifiers: Orphanet 353327, Orphanet 590, MedGen C3552335, MONDO:0012518, OMIM 610542.

Submission:

Labcorp Genetics (formerly Invitae), Labcorp
Classification: Uncertain significance for Congenital myasthenic syndrome 12. Last evaluated: 2022-11-15. Review status: criteria provided, single submitter. Criteria: Invitae Variant Classification Sherloc (09022015). Collection method: clinical testing. Allele origin: germline.
Comment: This variant is not present in population databases (gnomAD no frequency). This sequence change replaces histidine, which is basic and polar, with arginine, which is basic and polar, at codon 657 of the GFPT1 protein (p.His657Arg). This variant has not been reported in the literature in individuals affected with GFPT1-related conditions. In summary, the available evidence is currently insufficient to determine the role of this variant in disease. Therefore, it has been classified as a Variant of Uncertain Significance. Advanced modeling of protein sequence and biophysical properties (such as structural, functional, and spatial information, amino acid conservation, physicochemical variation, residue mobility, and thermodynamic stability) performed at Invitae indicates that this missense variant is not expected to disrupt GFPT1 protein function. ClinVar contains an entry for this variant (Variation ID: 1486996).

NM_001244710.2(GFPT1):c.1970A>G (p.His657Arg)

Gene: GFPT1 (glutamine--fructose-6-phosphate transaminase 1; minus strand). Cytogenetic location: 2p13.3.
Variant type: single nucleotide variant.
Coding change: c.1970A>G on transcript NM_001244710.2 (MANE Select); coding-DNA position 1970, A replaced by G.
Protein change: p.His657Arg; replaces histidine 657 with arginine.
Molecular consequence: missense variant.
Genome position (GRCh38, 1-based): chr2:69,326,999, T>C on the plus strand (A>G on the coding strand, the complement: GFPT1 is on the minus strand). VCF-style: chr2-69326999-T-C. GRCh37 (hg19) VCF-style: chr2-69554131-T-C.
Other names: c.1916A>G, p.His639Arg (NM_002056.4); short protein forms H657R, H639R.
Identifiers: ClinVar variation 1486996 (VCV001486996.8), dbSNP rs2104595457, ClinGen allele CA347421555.